The following is an entry in ClinVar:

NM_000535.7(PMS2):c.1800G>A (p.Met600Ile)

Gene: PMS2 (PMS1 homolog 2, mismatch repair system component; minus strand). Cytogenetic location: 7p22.1.
Variant type: single nucleotide variant.
Coding change: c.1800G>A on transcript NM_000535.7 (MANE Select); coding-DNA position 1800, G replaced by A.
Protein change: p.Met600Ile; replaces methionine 600 with isoleucine.
Molecular consequence: missense variant. On other transcripts: non-coding transcript variant (1).
Genome position (GRCh38, 1-based): chr7:5,986,965, C>T on the plus strand (G>A on the coding strand, the complement: PMS2 is on the minus strand). VCF-style: chr7-5986965-C-T. GRCh37 (hg19) VCF-style: chr7-6026596-C-T.
Other names: c.1395G>A, p.Met465Ile (NM_001322003.2, NM_001322004.2, NM_001322005.2 and 1 more transcripts); c.1644G>A, p.Met548Ile (NM_001322006.2); c.1482G>A, p.Met494Ile (NM_001322007.2, NM_001322008.2); c.1239G>A, p.Met413Ile (NM_001322010.2); c.867G>A, p.Met289Ile (NM_001322011.2, NM_001322012.2); c.1227G>A, p.Met409Ile (NM_001322013.2); c.1800G>A, p.Met600Ile (NM_001322014.2); c.1491G>A, p.Met497Ile (NM_001322015.2); short protein forms M600I, M289I, M497I, M548I, M409I, M413I, M465I, M494I.
Identifiers: ClinVar variation 1356865 (VCV001356865.8), dbSNP rs63750260, ClinGen allele CA366739789.
Genomic context (GRCh38, chr7:5,986,965, plus strand): 5'-AAAGTCCAGGGGCACAACTTTCTTATTAATTTTCACAGCTACATCAACCTGAGAGGCTGA[C>T]ATGTCCTGAGTATTTACTAACTTTTGACAAATGTCAGAACTGGAAAGAATTTCTTCTTTT-3'
Protein context (NP_000526.2, residues 590-610): ICQKLVNTQD[Met600Ile]SASQVDVAVK

ClinVar aggregate classification (germline): Uncertain significance (1 of 4 stars; one submission).

Conditions:
Hereditary nonpolyposis colorectal neoplasms. Identifiers: MedGen C0009405, MeSH D003123.

Submission:

Labcorp Genetics (formerly Invitae), Labcorp
Classification: Uncertain significance for Hereditary nonpolyposis colorectal neoplasms. Last evaluated: 2020-12-17. Review status: criteria provided, single submitter. Criteria: Invitae Variant Classification Sherloc (09022015). Collection method: clinical testing. Allele origin: germline.
Comment: In summary, the available evidence is currently insufficient to determine the role of this variant in disease. Therefore, it has been classified as a Variant of Uncertain Significance. This sequence change replaces methionine with isoleucine at codon 600 of the PMS2 protein (p.Met600Ile). The methionine residue is weakly conserved and there is a small physicochemical difference between methionine and isoleucine. This variant is not present in population databases (ExAC no frequency). This variant has not been reported in the literature in individuals with PMS2-related conditions. Advanced modeling of protein sequence and biophysical properties (such as structural, functional, and spatial information, amino acid conservation, physicochemical variation, residue mobility, and thermodynamic stability) performed at Invitae indicates that this missense variant is not expected to disrupt PMS2 protein function.